The following is an entry in ClinVar:

NM_001166108.2(PALLD):c.1331C>T (p.Thr444Ile)

Gene: PALLD (palladin, cytoskeletal associated protein; plus strand). Cytogenetic location: 4q32.3.
Variant type: single nucleotide variant.
Coding change: c.1331C>T on transcript NM_001166108.2 (MANE Select); coding-DNA position 1331, C replaced by T.
Protein change: p.Thr444Ile; replaces threonine 444 with isoleucine.
Molecular consequence: missense variant.
Genome position (GRCh38, 1-based): chr4:168,685,555, C>T. VCF-style: chr4-168685555-C-T. GRCh37 (hg19) VCF-style: chr4-169606706-C-T.
Other names: c.185C>T, p.Thr62Ile (NM_001166109.2); c.1331C>T, p.Thr444Ile (NM_016081.4); short protein forms T62I, T444I.
Identifiers: ClinVar variation 1770150 (VCV001770150.2), dbSNP rs2531610359, ClinGen allele CA358794525.

ClinVar aggregate classification (germline): Uncertain significance (1 of 4 stars; one submission).

Submission:

Ambry Genetics
Classification: Uncertain significance. Last evaluated: 2022-02-15. Review status: criteria provided, single submitter. Criteria: Ambry Variant Classification Scheme 2023. Collection method: clinical testing. Allele origin: germline.
Comment: The p.T444I variant (also known as c.1331C>T), located in coding exon 5 of the PALLD gene, results from a C to T substitution at nucleotide position 1331. The threonine at codon 444 is replaced by isoleucine, an amino acid with similar properties. This amino acid position is conserved. In addition, the in silico prediction for this alteration is inconclusive. Since supporting evidence is limited at this time, the clinical significance of this alteration remains unclear.